The following is an entry in ClinVar:

ClinVar aggregate classification (germline): Uncertain significance. Review status: criteria provided, multiple submitters, no conflicts (2 of 4 stars). 2 submissions from 2 submitters: Uncertain significance (2). Last evaluated 2026-02-20.

Conditions:
Hereditary cancer-predisposing syndrome. Also called: Neoplastic Syndromes, Hereditary; Tumor predisposition; Hereditary Cancer Syndrome; Hereditary neoplastic syndrome. Identifiers: Orphanet 140162, MedGen C0027672, MeSH D009386, MONDO:0015356.
Hereditary pheochromocytoma and paraganglioma. Also called: Hereditary paragangliomas and pheochromocytomas; Hereditary Paraganglioma-Pheochromocytoma Syndromes; Hereditary pheochromocytoma-paraganglioma. Identifiers: Orphanet 29072, MedGen C4274332, MONDO:0017366.

Allele frequency attached by ClinVar (database versions not stated): gnomAD exomes below 0.00001; TOPMed below 0.00001.
gnomAD v4.1: 1 of 1,469,136 alleles (0.000068%); highest among the groups gnomAD compares: Non-Finnish European, 0.00009%; no homozygotes.

Submissions (2):

Ambry Genetics
Classification: Uncertain significance for Hereditary cancer-predisposing syndrome. Last evaluated: 2026-02-20. Review status: criteria provided, single submitter. Criteria: Ambry Variant Classification Scheme 2023. Collection method: clinical testing. Allele origin: germline.
Comment: The p.G5E variant (also known as c.14G>A), located in coding exon 1 of the TMEM127 gene, results from a G to A substitution at nucleotide position 14. The glycine at codon 5 is replaced by glutamic acid, an amino acid with similar properties. This amino acid position is well conserved in available vertebrate species. In addition, the in silico prediction for this alteration is inconclusive. Based on the available evidence, the clinical significance of this variant remains unclear.

Labcorp Genetics (formerly Invitae), Labcorp
Classification: Uncertain significance for Hereditary pheochromocytoma and paraganglioma. Last evaluated: 2022-11-23. Review status: criteria provided, single submitter. Criteria: Invitae Variant Classification Sherloc (09022015). Collection method: clinical testing. Allele origin: germline.
Comment: This sequence change replaces glycine, which is neutral and non-polar, with glutamic acid, which is acidic and polar, at codon 5 of the TMEM127 protein (p.Gly5Glu). This variant is not present in population databases (gnomAD no frequency). This variant has not been reported in the literature in individuals affected with TMEM127-related conditions. Algorithms developed to predict the effect of missense changes on protein structure and function are either unavailable or do not agree on the potential impact of this missense change (SIFT: "Tolerated"; PolyPhen-2: "Not Available"; Align-GVGD: "Class C0"). In summary, the available evidence is currently insufficient to determine the role of this variant in disease. Therefore, it has been classified as a Variant of Uncertain Significance.

NM_017849.4(TMEM127):c.14G>A (p.Gly5Glu)

Genes: TMEM127 (transmembrane protein 127; minus strand), LOC129934333 (ATAC-STARR-seq lymphoblastoid silent region 11759; plus strand). Cytogenetic location: 2q11.2.
Variant type: single nucleotide variant.
Coding change: c.14G>A on transcript NM_017849.4 (MANE Select); coding-DNA position 14, G replaced by A.
Protein change: p.Gly5Glu; replaces glycine 5 with glutamic acid.
Molecular consequence: missense variant. On other transcripts: intron variant (1).
Genome position (GRCh38, 1-based): chr2:96,265,368, C>T on the plus strand (G>A on the coding strand, the complement: TMEM127 is on the minus strand). VCF-style: chr2-96265368-C-T. GRCh37 (hg19) VCF-style: chr2-96931106-C-T.
Other names: c.14G>A, p.Gly5Glu (NM_001193304.3); c.-9+501G>A (NM_001407283.1); short protein forms G5E.
Identifiers: ClinVar variation 2858351 (VCV002858351.4), dbSNP rs1684396954, ClinGen allele CA347656332.
Genomic context (GRCh38, chr2:96,265,368, plus strand): 5'-TTGGGCAGAGCGCTGCCTCCCGGGCTCCTCCGCCGGCGCCCGCCGGGCAGCCCTGCGCCT[C>T]CGGGGGCGTACATGCCCGGGGCCGCCCGCCGTCGCTCCGCAGTCGCTGCTGGTCGCCGCC-3'
Protein context (NP_060319.1, residues 1-15): MYAP[Gly5Glu]GAGLPGGRRR